The following is an entry in ClinVar:

ClinVar aggregate classification (germline): Benign. Review status: criteria provided, multiple submitters, no conflicts (2 of 4 stars). 2 submissions from 2 submitters: Benign (2). Last evaluated 2018-06-16.

Allele frequency attached by ClinVar (database versions not stated): gnomAD exomes 0.04328; gnomAD 0.05029 and 0.05101; TOPMed 0.05242; 1000 Genomes Project 30x 0.07089; 1000 Genomes Project 0.07149.
gnomAD v4.1: 70,365 of 1,594,024 alleles (4.4%); highest among the groups gnomAD compares: East Asian, 14%; 2,026 homozygotes.

Submissions (2):

GeneDx
Classification: Benign. Last evaluated: 2018-06-16. Review status: criteria provided, single submitter. Criteria: GeneDx Variant Classification (06012015). Collection method: clinical testing. Allele origin: germline. Affected: yes.
Comment: This variant is considered likely benign or benign based on one or more of the following criteria: it is a conservative change, it occurs at a poorly conserved position in the protein, it is predicted to be benign by multiple in silico algorithms, and/or has population frequency not consistent with disease.

Breakthrough Genomics
Classification: Benign. Review status: criteria provided, single submitter. Criteria: ACMG Guidelines, 2015. Collection method: not provided. Allele origin: germline. Inheritance: Autosomal recessive inheritance. Affected: yes.

NM_005045.4(RELN):c.1143+83A>G

Gene: RELN (reelin; minus strand). Cytogenetic location: 7q22.1.
Variant type: single nucleotide variant.
Coding change: c.1143+83A>G on transcript NM_005045.4 (MANE Select); 83 bases into the intron after coding-DNA position 1143, A replaced by G.
Molecular consequence: intron variant.
Genome position (GRCh38, 1-based): chr7:103,697,770, T>C on the plus strand (A>G on the coding strand, the complement: RELN is on the minus strand). VCF-style: chr7-103697770-T-C. GRCh37 (hg19) VCF-style: chr7-103338217-T-C.
Other names: c.1143+83A>G (NM_173054.3).
Identifiers: ClinVar variation 675715 (VCV000675715.2), dbSNP rs17154414, ClinGen allele CA163867801.
Genomic context (GRCh38, chr7:103,697,770, plus strand): 5'-GTAATATAAATAAGTATATTATCTGGTCCTTTAATAGTGGTTTTGGTAAAATAGCTATCT[T>C]TATACAATTTGGTTTATTGAGCTTCACTTTTAGAAAGGAGATGAAGGATTAAAACAACCC-3'